The following is an entry in ClinVar:

NM_000466.3(PEX1):c.3574C>T (p.Gln1192Ter)

Genes: GATAD1 (GATA zinc finger domain containing 1; plus strand), PEX1 (peroxisomal biogenesis factor 1; minus strand). Cytogenetic location: 7q21.2.
Variant type: single nucleotide variant.
Coding change: c.3574C>T on transcript NM_000466.3 (MANE Select); coding-DNA position 3574, C replaced by T.
Protein change: p.Gln1192Ter; replaces glutamine 1192 with a stop codon.
Molecular consequence: nonsense.
Genome position (GRCh38, 1-based): chr7:92,489,776, G>A on the plus strand (C>T on the coding strand, the complement: PEX1 is on the minus strand). VCF-style: chr7-92489776-G-A. GRCh37 (hg19) VCF-style: chr7-92119090-G-A.
Other names: c.3403C>T, p.Gln1135Ter (NM_001282677.2); c.2950C>T, p.Gln984Ter (NM_001282678.2); short protein forms Q1192*, Q1135*, Q984*.
Identifiers: ClinVar variation 371698 (VCV000371698.16), dbSNP rs1057517467, ClinGen allele CA16041143.

ClinVar aggregate classification (germline): Pathogenic/Likely pathogenic. Review status: criteria provided, multiple submitters, no conflicts (2 of 4 stars). 9 submissions from 8 submitters: Pathogenic (4); Likely pathogenic (3). 2 of the submissions do not count toward it. Last evaluated 2026-02-19.

Conditions:
Peroxisome biogenesis disorder 1B (PBD1B). Also called: PEROXISOME BIOGENESIS DISORDER (NEONATAL ADRENOLEUKODYSTROPHY/INFANTILE REFSUM DISEASE); INFANTILE PHYTANIC ACID STORAGE DISEASE; Refsum disease, infantile form; Infantile Refsum disease; Infantile form of phytanic acid storage disease; PEROXISOME BIOGENESIS DISORDER (NALD/IRD). Identifiers: Orphanet 44, MedGen C0282527, MONDO:0011101, OMIM 601539.
Zellweger spectrum disorders (ZS). Also called: Zellweger Spectrum Disorder (ZSD); Zellweger syndrome; Zellweger Spectrum Disorder; Zellweger Spectrum. Identifiers: Orphanet 912, MedGen C0043459, MONDO:0019609.
Peroxisome biogenesis disorder 1A (Zellweger) (PBD1A). Also called: Peroxisome biogenesis disorder 1a; Zellweger leukodystrophy. Identifiers: MedGen C4721541, MONDO:0008953, OMIM 214100.
Heimler syndrome 1 (HMLR1). Also called: PEROXISOME BIOGENESIS DISORDER 1C. Identifiers: Orphanet 3220, MedGen C4551980, OMIM 234580, MONDO:0024544.
PEX1-related disorder. Also called: PEX1-related condition.

Allele frequency attached by ClinVar (database versions not stated): gnomAD exomes below 0.00001.
gnomAD v4.1: 4 of 1,614,074 alleles (0.00025%); highest among the groups gnomAD compares: Non-Finnish European, 0.00034%; no homozygotes.

Submissions (9):

PreventionGenetics, part of Exact Sciences
Classification: Pathogenic for PEX1-related condition. Last evaluated: 2026-02-19. Review status: criteria provided, single submitter. Criteria: ACMG Guidelines, 2015. Collection method: clinical testing. Allele origin: germline.
Comment: The PEX1 c.3574C>T variant is predicted to result in premature protein termination (p.Gln1192*). This variant has been reported in an individual with Zellweger syndrome (Thomas et al. 2020. PubMed ID: 32203225). This variant has not been reported in a large population database (gnomAD), indicating this variant is rare. Nonsense variants in PEX1 are expected to be pathogenic. This variant is interpreted as pathogenic.

GeneDx
Classification: Pathogenic. Last evaluated: 2024-11-27. Review status: criteria provided, single submitter. Criteria: GeneDx Variant Classification Process June 2021. Collection method: clinical testing. Allele origin: germline. Affected: yes.
Comment: Nonsense variant predicted to result in protein truncation or nonsense mediated decay in a gene for which loss of function is a known mechanism of disease; Not observed at significant frequency in large population cohorts (gnomAD); This variant is associated with the following publications: (PMID: 32281467, 32203225)

Natera, Inc.
Classification: Likely pathogenic for Zellweger syndrome. Last evaluated: 2024-07-01. Review status: criteria provided, single submitter. Criteria: Natera Variant Classification Schema (03/2026). Collection method: clinical testing. Allele origin: germline.
Comment: The c.3574C>T variant in PEX1 is a nonsense variant predicted to introduce a stop codon at amino acid 1192. This variant is expected to result in nonsense mediated decay, truncation, or a dysfunctional protein product. This variant is rare in the general population with a frequency below the threshold expected for the associated phenotype(s). Given the available evidence, this variant is classified as Likely Pathogenic.

Labcorp Genetics (formerly Invitae), Labcorp
Classification: Pathogenic for Zellweger spectrum disorders. Last evaluated: 2024-02-08. Review status: criteria provided, single submitter. Criteria: Invitae Variant Classification Sherloc (09022015). Collection method: clinical testing. Allele origin: germline.
Comment: This sequence change creates a premature translational stop signal (p.Gln1192*) in the PEX1 gene. It is expected to result in an absent or disrupted protein product. Loss-of-function variants in PEX1 are known to be pathogenic (PMID: 21031596, 26387595, 31831025). This variant is not present in population databases (gnomAD no frequency). This premature translational stop signal has been observed in individual(s) with Zellweger syndrome (PMID: 32203225). ClinVar contains an entry for this variant (Variation ID: 371698). For these reasons, this variant has been classified as Pathogenic.

Baylor Genetics
Classification: Likely pathogenic for Heimler syndrome 1. Last evaluated: 2023-12-12. Review status: criteria provided, single submitter. Criteria: ACMG Guidelines, 2015. Collection method: clinical testing. Allele origin: unknown.

Blueprint Genetics
Classification: Likely pathogenic for PEX1-related disorders. Last evaluated: 2020-04-16. Review status: criteria provided, single submitter. Criteria: ACMG Guidelines, 2015. Collection method: clinical testing. Allele origin: germline. Affected: yes. Observed: 2 variant alleles.

Rady Children's Institute for Genomic Medicine, Rady Children's Hospital San Diego
Classification: Pathogenic for PEX1-RELATED DISORDERS. Review status: criteria provided, single submitter. Criteria: ACMG Guidelines, 2015. Collection method: clinical testing. Allele origin: germline. Affected: yes.
Comment: This nonsense variant found in exon 22 of 24 is predicted to result in loss of normal protein function through protein truncation or nonsense-mediated mRNA decay (NMD). This variant has been previously detected together with additional variants in PEX1 in a patient with features of Zellweger spectrum disorder (PMID: 32203225). The c.3574C>T (p.Gln1192Ter) variant is absent from the gnomAD population database and thus is presumed to be rare. Based on the available evidence, the c.3574C>T (p.Gln1192Ter) variant is classified as Pathogenic.

Counsyl
Classification: Likely pathogenic for Peroxisome biogenesis disorder 1A (Zellweger). Last evaluated: 2015-12-28. Review status: no assertion criteria provided. Collection method: clinical testing. Allele origin: unknown. Not counted in ClinVar's aggregate classification.

Counsyl
Classification: Likely pathogenic for Peroxisome biogenesis disorder 1B. Last evaluated: 2015-12-28. Review status: no assertion criteria provided. Collection method: clinical testing. Allele origin: unknown. Not counted in ClinVar's aggregate classification.

Literature cited by the submitters: PubMed 21031596 (cited by Labcorp Genetics (formerly Invitae), Labcorp); PubMed 26387595 (cited by Labcorp Genetics (formerly Invitae), Labcorp); PubMed 31831025 (cited by Labcorp Genetics (formerly Invitae), Labcorp); PubMed 32203225 (cited by Labcorp Genetics (formerly Invitae), Labcorp).